The following is an entry in ClinVar:

NM_002775.5(HTRA1):c.820C>G (p.Arg274Gly)

Gene: HTRA1 (HtrA serine peptidase 1; plus strand). Cytogenetic location: 10q26.13.
Variant type: single nucleotide variant.
Coding change: c.820C>G on transcript NM_002775.5 (MANE Select); coding-DNA position 820, C replaced by G.
Protein change: p.Arg274Gly; replaces arginine 274 with glycine.
Molecular consequence: missense variant.
Genome position (GRCh38, 1-based): chr10:122,506,733, C>G. VCF-style: chr10-122506733-C-G. GRCh37 (hg19) VCF-style: chr10-124266249-C-G.
Other names: short protein forms R274G.
Identifiers: ClinVar variation 1184139 (VCV001184139.2), dbSNP rs748074236, ClinGen allele CA378585374.

ClinVar aggregate classification (germline): Likely pathogenic (0 of 4 stars; one submission).

Conditions:
Cerebral arteriopathy, autosomal dominant, with subcortical infarcts and leukoencephalopathy, type 2 (CADASIL2). Identifiers: MedGen C4225211, MONDO:0014768, OMIM 616779.

Submission:

Clinical Genetics Service, Universitary Hospital 12 de Octubre
Classification: Likely pathogenic for Cerebral arteriopathy, autosomal dominant, with subcortical infarcts and leukoencephalopathy, type 2. Last evaluated: 2021-07-22. Review status: no assertion criteria provided. Collection method: clinical testing. Allele origin: maternal. Inheritance: Autosomal dominant inheritance. Affected: yes. Observed: 1 variant allele, 1 heterozygote.
Comment: The Arg274 residue is located in the protease domain of the protein and is highly conserved among different species and other members of the HtrA family. It is located nearby the highly conserved Phe-278 residue, involved in the homotrimerization of the protein. This change is classified as likely pathogenic following the ACMG criteria: (i) it is absent in several population databases; (ii) another missense variant affecting the same residue has been classified as pathogenic; (iii) the 15/15 in silico consulted predictors of pathogenicity indicate the variant as â€œlikely pathogenicâ€ and 4/4 protein stability consulted tools predict a potentially deleterious effect ; (iv) the amino acid residue is located in the protease domain where pathogenic variants were already found; (v) the amino acid residue is located adjacent to the protein-protein binding site of the enzyme and is highly evolutionary conserved; (vi) segregation analysis was positive in several affected member.